The following is an entry in ClinVar:

NM_024757.5(EHMT1):c.1292del (p.Gly431fs)

Gene: EHMT1 (euchromatic histone lysine methyltransferase 1; plus strand). Cytogenetic location: 9q34.3.
Variant type: Deletion.
Coding change: c.1292del on transcript NM_024757.5 (MANE Select); coding-DNA position 1292, one base deleted (G; older notation c.1292delG).
Protein change: p.Gly431fs; shifts the reading frame from glycine 431.
Molecular consequence: frameshift variant.
Genome position (GRCh38, 1-based): chr9:137,754,214, G deleted; the last of 2 consecutive G bases (chr9:137,754,213-137,754,214); deleting either gives the same sequence. VCF-style (leftmost placement, unchanged base first): chr9-137754212-AG-A. GRCh37 (hg19) VCF-style: chr9-140648664-AG-A.
Other names: c.1292del, p.Gly431fs (NM_001145527.2, NM_001354611.2); c.1199del, p.Gly400fs (NM_001354259.2, NM_001354612.2); c.1271del, p.Gly424fs (NM_001354263.2); short protein forms G431fs, G400fs, G424fs.
Identifiers: ClinVar variation 817822 (VCV000817822.1), dbSNP rs1588533561, ClinGen allele CA915945839.

ClinVar aggregate classification (germline): Pathogenic (1 of 4 stars; one submission).

Submission:

GeneDx
Classification: Pathogenic. Last evaluated: 2019-04-19. Review status: criteria provided, single submitter. Criteria: GeneDx Variant Classification (06012015). Collection method: clinical testing. Allele origin: germline. Affected: yes.
Comment: The c.1292delG variant in the EHMT1 gene has not been reported previously as a pathogenic variant nor as a benign variant, to our knowledge. The c.1292delG variant causes a frameshift starting with codon Glycine 431, changes this amino acid to a Glutamic acid residue, and creates a premature Stop codon at position 132 of the new reading frame, denoted p.Gly431GlufsX132. This variant is predicted to cause loss of normal protein function either through protein truncation or nonsense-mediated mRNA decay. The c.1292delG variant is not observed in large population cohorts (Lek et al., 2016). We interpret c.1292delG as a pathogenic variant.